The following is an entry in ClinVar:

ClinVar aggregate classification (germline): Likely benign. Review status: criteria provided, multiple submitters, no conflicts (2 of 4 stars). 4 submissions from 4 submitters: Likely benign (3). 1 of the submissions does not count toward it. Last evaluated 2025-12-19.

Conditions:
ACY1-related disorder. Also called: ACY1-related condition.

Allele frequency attached by ClinVar (database versions not stated): 1000 Genomes Project 30x 0.00016; 1000 Genomes Project 0.00020; gnomAD 0.00057 and 0.00059; ESP Exome Variant Server 0.00069; TOPMed 0.00085.
gnomAD v4.1: 459 of 1,614,098 alleles (0.028%); highest among the groups gnomAD compares: Middle Eastern, 0.18%; 2 homozygotes.

Submissions (4):

Labcorp Genetics (formerly Invitae), Labcorp
Classification: Likely benign. Last evaluated: 2025-12-19. Review status: criteria provided, single submitter. Criteria: Invitae Variant Classification Sherloc (09022015). Collection method: clinical testing. Allele origin: germline.

CeGaT Center for Human Genetics Tuebingen
Classification: Likely benign. Last evaluated: 2025-09-01. Review status: criteria provided, single submitter. Criteria: CeGaT Center For Human Genetics Tuebingen Variant Classification Criteria Version 2. Collection method: clinical testing. Allele origin: germline. Affected: yes. Observed: 1 variant allele.
Comment: ACY1: BP4, BP7

Blueprint Genetics
Classification: Likely benign. Last evaluated: 2024-10-04. Review status: criteria provided, single submitter. Criteria: ACMG Guidelines, 2015. Collection method: clinical testing. Allele origin: germline.

PreventionGenetics, part of Exact Sciences
Classification: Likely benign for ACY1-related condition. Last evaluated: 2024-04-30. Review status: no assertion criteria provided. Collection method: clinical testing. Allele origin: germline. Not counted in ClinVar's aggregate classification.
Comment: This variant is classified as likely benign based on ACMG/AMP sequence variant interpretation guidelines (Richards et al. 2015 PMID: 25741868, with internal and published modifications).

NM_000666.3(ACY1):c.1014G>A (p.Leu338=)

Genes: ABHD14A-ACY1 (ABHD14A-ACY1 readthrough; plus strand), ACY1 (aminoacylase 1; plus strand). Cytogenetic location: 3p21.2.
Variant type: single nucleotide variant.
Coding change: c.1014G>A on transcript NM_000666.3 (MANE Select); coding-DNA position 1014, G replaced by A.
Protein change: p.Leu338=; no amino-acid change (leucine 338 retained).
Molecular consequence: synonymous variant.
Genome position (GRCh38, 1-based): chr3:51,988,778, G>A. VCF-style: chr3-51988778-G-A. GRCh37 (hg19) VCF-style: chr3-52022794-G-A.
Other names: c.1284G>A, p.Leu428= (NM_001316331.2); c.1014G>A, p.Leu338= (NM_001198895.2); c.798G>A, p.Leu266= (NM_001198896.2); c.819G>A, p.Leu273= (NM_001198897.2); c.909G>A, p.Leu303= (NM_001198898.2).
Identifiers: ClinVar variation 720568 (VCV000720568.18), dbSNP rs146715684, ClinGen allele CA2428723.